The following is an entry in ClinVar:

NM_007294.4(BRCA1):c.4311T>G (p.Ser1437=)

Gene: BRCA1 (BRCA1 DNA repair associated; minus strand). Cytogenetic location: 17q21.31.
Variant type: single nucleotide variant.
Coding change: c.4311T>G on transcript NM_007294.4 (MANE Select); coding-DNA position 4311, T replaced by G.
Protein change: p.Ser1437=; no amino-acid change (serine 1437 retained).
Molecular consequence: synonymous variant.
Genome position (GRCh38, 1-based): chr17:43,082,450, A>C on the plus strand (T>G on the coding strand, the complement: BRCA1 is on the minus strand). VCF-style: chr17-43082450-A-C. GRCh37 (hg19) VCF-style: chr17-41234467-A-C.
Other names: c.999T>G, p.Ser333= (NM_001407990.1, NM_001407991.1, NM_001407992.1 and 18 more transcripts); c.1002T>G, p.Ser334= (NM_001407993.1, NM_001407970.1, NM_001407971.1 and 9 more transcripts); c.996T>G, p.Ser332= (NM_001408400.1, NM_001408401.1, NM_001408402.1 and 1 more transcripts); c.993T>G, p.Ser331= (NM_001408406.1, NM_001408408.1); c.4170T>G, p.Ser1390= (NM_001407736.1, NM_001407737.1, NM_001407738.1 and 23 more transcripts); c.4167T>G, p.Ser1389= (NM_001407740.1, NM_001407741.1, NM_001407742.1 and 23 more transcripts); c.4164T>G, p.Ser1388= (NM_001407847.1, NM_001407848.1, NM_001407849.1); c.4098T>G, p.Ser1366= (NM_001407853.1, NM_001407894.1, NM_001407895.1 and 12 more transcripts); and 51 more.
Identifiers: ClinVar variation 3071259 (VCV003071259.1), dbSNP rs1131692092, ClinGen allele CA500148370.

ClinVar aggregate classification (germline): Likely benign (1 of 4 stars; one submission).

Conditions:
Breast-ovarian cancer, familial, susceptibility to, 1 (BROVCA1). Also called: BRCA1 Hereditary Breast and Ovarian Cancer; OVARIAN CANCER, SUSCEPTIBILITY TO. Identifiers: Orphanet 145, MedGen C2676676, MONDO:0011450, OMIM 604370. Disease mechanism: loss of function.

Submission:

All of Us Research Program, National Institutes of Health
Classification: Likely benign for Breast-ovarian cancer, familial, susceptibility to, 1. Last evaluated: 2023-05-16. Review status: criteria provided, single submitter. Criteria: ACMG Guidelines, 2015. Collection method: clinical testing. Allele origin: germline. Inheritance: Autosomal dominant inheritance. Observed: 1 variant allele, 1 heterozygote.
Comment: This study involves interpretation of variants in research participants for the purpose of population health screening. Participant phenotype was not available at the time of variant classification. Additional details can be found in publication PMID: 35346344, PMCID: PMC8962531